The following is an entry in ClinVar:

NM_000330.4(RS1):c.76G>T (p.Glu26Ter)

Gene: RS1 (retinoschisin 1; minus strand). Cytogenetic location: Xp22.13.
Variant type: single nucleotide variant.
Coding change: c.76G>T on transcript NM_000330.4 (MANE Select); coding-DNA position 76, G replaced by T.
Protein change: p.Glu26Ter; replaces glutamic acid 26 with a stop codon.
Molecular consequence: nonsense.
Genome position (GRCh38, 1-based): chrX:18,657,642, C>A on the plus strand (G>T on the coding strand, the complement: RS1 is on the minus strand). VCF-style: chrX-18657642-C-A. GRCh37 (hg19) VCF-style: chrX-18675762-C-A.
Other names: NM_000330.4(RS1):c.76G>T; p.Glu26Ter; short protein forms E26*.
Identifiers: ClinVar variation 99021 (VCV000099021.2), dbSNP rs140983930, ClinGen allele CA226853.

ClinVar aggregate classification (germline): Likely pathogenic. Review status: reviewed by expert panel (3 of 4 stars). 2 submissions from 2 submitters: Likely pathogenic (1). 1 of the submissions does not count toward it. Last evaluated 2025-05-19.

Conditions:
Juvenile retinoschisis (RS1). Also called: X-Linked Juvenile Retinoschisis; X-linked retinoschisis. Identifiers: Orphanet 792, MedGen C3714753, MONDO:0010725, OMIM 312700.

Submissions (2):

ClinGen X-linked Inherited Retinal Disease Variant Curation Expert Panel, ClinGen
Classification: Likely pathogenic for Juvenile retinoschisis. Last evaluated: 2025-05-19. Review status: reviewed by expert panel. Criteria: ClinGen X LinkedIRD ACMG Specifications RS1 V1.0.0. Collection method: curation. Allele origin: germline. Inheritance: X-linked inheritance.
Comment: The NM_000330.4(RS1):c.76G>T variant is a nonsense variant in amino acid 26, which results in a premature stop codon and causes a truncated protein. This variant is absent from hemizygous individuals in gnomAD v4.1.0 (PM2_Supporting). This is a nonsense variant that introduces a premature stop codon between amino acids 1-223 that is predicted to either trigger nonsense-mediated decay or to disrupt a critical C-terminal region required for proper multimerization of RS1 (PVS1, PMID: 19849666). This variant has been reported in at least 1 proband meeting the PS4 requirement of a male with diagnosis of X-linked retinoschisis (PMIDs: 9618178). However, PS4_Supporting requires at least 2 unrelated probands, so this criterion was not met. In summary, this variant is classified as likely pathogenic for X-linked retinoschisis based on the ClinGen X-linked Inherited Retinal Disease Expert Panel Specifications to the ACMG/AMP Variant Interpretation Guidelines for RS1 Version 1.0.0: PVS1 and PM2_supporting (date of approval 01/24/2025).

Retina International
No classification provided. Review status: no classification provided. Collection method: not provided. Allele origin: not provided. Not counted in ClinVar's aggregate classification.